The following is an entry in ClinVar:

ClinVar aggregate classification (germline): Uncertain significance (0 of 4 stars; one submission).

gnomAD v4.1: 3 of 1,252,834 alleles (0.00024%); highest among the groups gnomAD compares: Non-Finnish European, 0.00035%; no homozygotes.

Submission:

Evolutionary and Medical Genetics Laboratory,  Centre for Cellular and Molecular Biology
Classification: Uncertain significance. Review status: no assertion criteria provided. Collection method: not provided. Allele origin: unknown.
ClinVar note: Converted during submission from unknown to Uncertain significance.

NM_001018005.2(TPM1):c.639+81A>T

Gene: TPM1 (tropomyosin 1; plus strand). Cytogenetic location: 15q22.2.
Variant type: single nucleotide variant.
Coding change: c.639+81A>T on transcript NM_001018005.2 (MANE Select); 81 bases into the intron after coding-DNA position 639, A replaced by T.
Molecular consequence: intron variant.
Genome position (GRCh38, 1-based): chr15:63,061,869, A>T. VCF-style: chr15-63061869-A-T. GRCh37 (hg19) VCF-style: chr15-63354068-A-T.
Other names: c.765+81A>T (NM_001365778.1); c.640-346A>T (NM_001018020.2, NM_001018006.2, NM_000366.6); c.639+81A>T (NM_001018007.2, NM_001365776.1, NM_001018004.2 and 3 more transcripts); c.532-346A>T (NM_001330351.2, NM_001330344.2, NM_001365781.2); c.531+81A>T (NM_001018008.2, NM_001301289.2, NM_001365782.1 and 2 more transcripts).
Identifiers: ClinVar variation 157496 (VCV000157496.2), dbSNP rs587777906, ClinGen allele CA019235.